The following is an entry in ClinVar:

ClinVar aggregate classification (germline): Uncertain significance. Review status: criteria provided, multiple submitters, no conflicts (2 of 4 stars). 2 submissions from 2 submitters: Uncertain significance (2). Last evaluated 2025-05-06.

Conditions:
Gastrointestinal stromal tumor. Also called: Gastrointestinal stromal tumor, somatic; Gastrointestinal stroma tumor. Identifiers: Orphanet 44890, MedGen C0238198, MeSH D046152, MONDO:0011719, OMIM 606764, HP:0100723.
Hereditary cancer-predisposing syndrome. Also called: Neoplastic Syndromes, Hereditary; Tumor predisposition; Hereditary Cancer Syndrome; Hereditary neoplastic syndrome. Identifiers: Orphanet 140162, MedGen C0027672, MeSH D009386, MONDO:0015356.

gnomAD v4.1: 1 of 1,614,058 alleles (0.000062%); highest among the groups gnomAD compares: Non-Finnish European, 0.000085%; no homozygotes.

Submissions (2):

Ambry Genetics
Classification: Uncertain significance for Hereditary cancer-predisposing syndrome. Last evaluated: 2025-05-06. Review status: criteria provided, single submitter. Criteria: Ambry Variant Classification Scheme 2023. Collection method: clinical testing. Allele origin: germline.
Comment: The p.T276K variant (also known as c.827C>A), located in coding exon 5 of the PDGFRA gene, results from a C to A substitution at nucleotide position 827. The threonine at codon 276 is replaced by lysine, an amino acid with similar properties. This amino acid position is poorly conserved in available vertebrate species. In addition, this alteration is predicted to be tolerated by in silico analysis. Since supporting evidence is limited at this time, the clinical significance of this alteration remains unclear.

Labcorp Genetics (formerly Invitae), Labcorp
Classification: Uncertain significance for Gastrointestinal stromal tumor. Last evaluated: 2023-11-06. Review status: criteria provided, single submitter. Criteria: Invitae Variant Classification Sherloc (09022015). Collection method: clinical testing. Allele origin: germline.
Comment: This sequence change replaces threonine, which is neutral and polar, with lysine, which is basic and polar, at codon 276 of the PDGFRA protein (p.Thr276Lys). This variant is not present in population databases (gnomAD no frequency). This variant has not been reported in the literature in individuals affected with PDGFRA-related conditions. ClinVar contains an entry for this variant (Variation ID: 1762717). Advanced modeling of protein sequence and biophysical properties (such as structural, functional, and spatial information, amino acid conservation, physicochemical variation, residue mobility, and thermodynamic stability) performed at Invitae indicates that this missense variant is not expected to disrupt PDGFRA protein function with a negative predictive value of 80%. In summary, the available evidence is currently insufficient to determine the role of this variant in disease. Therefore, it has been classified as a Variant of Uncertain Significance.

NM_006206.6(PDGFRA):c.827C>A (p.Thr276Lys)

Gene: PDGFRA (platelet derived growth factor receptor alpha; plus strand). Cytogenetic location: 4q12.
Variant type: single nucleotide variant.
Coding change: c.827C>A on transcript NM_006206.6 (MANE Select); coding-DNA position 827, C replaced by A.
Protein change: p.Thr276Lys; replaces threonine 276 with lysine.
Molecular consequence: missense variant.
Genome position (GRCh38, 1-based): chr4:54,267,356, C>A. VCF-style: chr4-54267356-C-A. GRCh37 (hg19) VCF-style: chr4-55133523-C-A.
Other names: c.827C>A, p.Thr276Lys (NM_001347827.2, NM_001347829.2); c.902C>A, p.Thr301Lys (NM_001347828.2); c.866C>A, p.Thr289Lys (NM_001347830.2); short protein forms T276K, T289K, T301K.
Identifiers: ClinVar variation 1762717 (VCV001762717.6), dbSNP rs142492533, ClinGen allele CA356891193.